The following is an entry in ClinVar:

NM_002108.4(HAL):c.-127C>A

Gene: HAL (histidine ammonia-lyase; minus strand). Cytogenetic location: 12q23.1.
Variant type: single nucleotide variant.
Coding change: c.-127C>A on transcript NM_002108.4 (MANE Select); 127 bases upstream of the start codon, C replaced by A.
Molecular consequence: 5 prime UTR variant.
Genome position (GRCh38, 1-based): chr12:95,996,123, G>T on the plus strand (C>A on the coding strand, the complement: HAL is on the minus strand). VCF-style: chr12-95996123-G-T. GRCh37 (hg19) VCF-style: chr12-96389901-G-T.
Other names: c.-684C>A (NM_001258333.2); c.-127C>A (NM_001258334.2).
Identifiers: ClinVar variation 310732 (VCV000310732.6), dbSNP rs11108369, ClinGen allele CA10643582.

ClinVar aggregate classification (germline): Benign. Review status: criteria provided, multiple submitters, no conflicts (2 of 4 stars). 2 submissions from 2 submitters: Benign (2). Last evaluated 2018-01-13.

Conditions:
Histidinemia. Also called: Hyperhistidinemia; Deficiency of histidine ammonia-lyase; HAL DEFICIENCY; HIS DEFICIENCY; HISTIDASE DEFICIENCY; HISTIDINE AMMONIA-LYASE DEFICIENCY. Identifiers: Orphanet 2157, MedGen C0220992, MONDO:0009345, OMIM 235800, HP:0010906.

Allele frequency attached by ClinVar (database versions not stated): 1000 Genomes Project 0.03235; gnomAD 0.03241 and 0.03510; 1000 Genomes Project 30x 0.03451; TOPMed 0.03656.
gnomAD v4.1: 6,943 of 582,030 alleles (1.2%); highest among the groups gnomAD compares: African/African-American, 11%; 343 homozygotes.

Submissions (2):

Illumina Laboratory Services, Illumina
Classification: Benign for Histidinemia. Last evaluated: 2018-01-13. Review status: criteria provided, single submitter. Criteria: ICSL Variant Classification Criteria 13 December 2019. Collection method: clinical testing. Allele origin: germline.
Comment: This variant was observed in the ICSL laboratory as part of a predisposition screen in an ostensibly healthy population. It had not been previously curated by ICSL or reported in the Human Gene Mutation Database (HGMD: prior to June 1st, 2018), and was therefore a candidate for classification through an automated scoring system. Utilizing variant allele frequency, disease prevalence and penetrance estimates, and inheritance mode, an automated score was calculated to assess if this variant is too frequent to cause the disease. Based on the score and internal cut-off values, a variant classified as benign is not then subjected to further curation. The score for this variant resulted in a classification of benign for this disease.

Breakthrough Genomics
Classification: Benign. Review status: criteria provided, single submitter. Criteria: ACMG Guidelines, 2015. Collection method: not provided. Allele origin: germline. Inheritance: Autosomal recessive inheritance. Affected: yes.